The following is an entry in ClinVar:

NM_000179.3(MSH6):c.2640T>A (p.Asp880Glu)

Gene: MSH6 (mutS homolog 6; plus strand). Cytogenetic location: 2p16.3.
Variant type: single nucleotide variant.
Coding change: c.2640T>A on transcript NM_000179.3 (MANE Select); coding-DNA position 2640, T replaced by A.
Protein change: p.Asp880Glu; replaces aspartic acid 880 with glutamic acid.
Molecular consequence: missense variant. On other transcripts: non-coding transcript variant (5), intron variant (3).
Genome position (GRCh38, 1-based): chr2:47,800,623, T>A. VCF-style: chr2-47800623-T-A. GRCh37 (hg19) VCF-style: chr2-48027762-T-A.
Other names: c.2250T>A, p.Asp750Glu (NM_001281492.2); c.1734T>A, p.Asp578Glu (NM_001281493.2, NM_001281494.2, NM_001406811.1 and 6 more transcripts); c.2736T>A, p.Asp912Glu (NM_001406795.1, NM_001406802.1); c.2640T>A, p.Asp880Glu (NM_001406796.1, NM_001406798.1, NM_001406800.1 and 2 more transcripts); c.2343T>A, p.Asp781Glu (NM_001406797.1, NM_001406801.1, NM_001406805.1 and 10 more transcripts); c.2115T>A, p.Asp705Glu (NM_001406799.1, NM_001406806.1, NM_001406807.1); c.2562T>A, p.Asp854Glu (NM_001406804.1); c.2646T>A, p.Asp882Glu (NM_001406813.1); and 4 more; short protein forms D750E, D781E, D912E, D824E, D880E, D854E, D882E, D578E.
Identifiers: ClinVar variation 2453155 (VCV002453155.6), dbSNP rs371399245, ClinGen allele CA069391.

ClinVar aggregate classification (germline): Conflicting classifications of pathogenicity. Review status: criteria provided, conflicting classifications (1 of 4 stars). 2 submissions from 2 submitters: Uncertain significance (1); Likely benign (1). Last evaluated 2025-08-12.

Conditions:
Hereditary cancer-predisposing syndrome. Also called: Neoplastic Syndromes, Hereditary; Tumor predisposition; Hereditary neoplastic syndrome; Hereditary Cancer Syndrome. Identifiers: Orphanet 140162, MedGen C0027672, MeSH D009386, MONDO:0015356.
Hereditary nonpolyposis colorectal neoplasms. Identifiers: MedGen C0009405, MeSH D003123.

Allele frequency attached by ClinVar (database versions not stated): ESP Exome Variant Server 0.00008.

Submissions (2):

Ambry Genetics
Classification: Uncertain significance for Hereditary cancer-predisposing syndrome. Last evaluated: 2025-08-12. Review status: criteria provided, single submitter. Criteria: Ambry Variant Classification Scheme 2023. Collection method: clinical testing. Allele origin: germline.
Comment: The p.D880E variant (also known as c.2640T>A), located in coding exon 4 of the MSH6 gene, results from a T to A substitution at nucleotide position 2640. The aspartic acid at codon 880 is replaced by glutamic acid, an amino acid with highly similar properties. This amino acid position is not well conserved in available vertebrate species. In addition, this alteration is predicted to be tolerated by in silico analysis. Based on the available evidence, the clinical significance of this variant remains unclear.

Labcorp Genetics (formerly Invitae), Labcorp
Classification: Likely benign for Hereditary nonpolyposis colorectal neoplasms. Last evaluated: 2023-07-03. Review status: criteria provided, single submitter. Criteria: Invitae Variant Classification Sherloc (09022015). Collection method: clinical testing. Allele origin: germline.